The following is an entry in ClinVar:

NM_001042702.5(PJVK):c.193G>A (p.Asp65Asn)

Gene: PJVK (pejvakin; plus strand). Cytogenetic location: 2q31.2.
Variant type: single nucleotide variant.
Coding change: c.193G>A on transcript NM_001042702.5 (MANE Select); coding-DNA position 193, G replaced by A.
Protein change: p.Asp65Asn; replaces aspartic acid 65 with asparagine.
Molecular consequence: missense variant. On other transcripts: 5 prime UTR variant (2).
Genome position (GRCh38, 1-based): chr2:178,453,602, G>A. VCF-style: chr2-178453602-G-A. GRCh37 (hg19) VCF-style: chr2-179318329-G-A.
Other names: c.202G>A, p.Asp68Asn (NM_001353775.2); c.298G>A, p.Asp100Asn (NM_001353776.2); c.-285G>A (NM_001353777.1, NM_001353778.2); c.193G>A, p.Asp65Asn (NM_001369912.1); short protein forms D68N, D100N, D65N.
Identifiers: ClinVar variation 2181562 (VCV002181562.3), dbSNP rs754576211, ClinGen allele CA1984135.

ClinVar aggregate classification (germline): Uncertain significance. Review status: criteria provided, multiple submitters, no conflicts (2 of 4 stars). 2 submissions from 2 submitters: Uncertain significance (2). Last evaluated 2021-12-24.

Allele frequency attached by ClinVar (database versions not stated): ExAC 0.00003.
gnomAD v4.1: 5 of 1,613,040 alleles (0.00031%); highest among the groups gnomAD compares: Admixed American, 0.0067%; no homozygotes.

Submissions (2):

Labcorp Genetics (formerly Invitae), Labcorp
Classification: Uncertain significance. Last evaluated: 2021-12-24. Review status: criteria provided, single submitter. Criteria: Invitae Variant Classification Sherloc (09022015). Collection method: clinical testing. Allele origin: germline.
Comment: This sequence change replaces aspartic acid, which is acidic and polar, with asparagine, which is neutral and polar, at codon 65 of the DFNB59 protein (p.Asp65Asn). In summary, the available evidence is currently insufficient to determine the role of this variant in disease. Therefore, it has been classified as a Variant of Uncertain Significance. Algorithms developed to predict the effect of missense changes on protein structure and function are either unavailable or do not agree on the potential impact of this missense change (SIFT: "Tolerated"; PolyPhen-2: "Possibly Damaging"; Align-GVGD: "Class C0"). This variant has not been reported in the literature in individuals affected with DFNB59-related conditions. This variant is present in population databases (rs754576211, gnomAD 0.006%).

Blueprint Genetics
Classification: Uncertain significance. Last evaluated: 2017-11-13. Review status: criteria provided, single submitter. Criteria: ACMG Guidelines, 2015. Collection method: clinical testing. Allele origin: germline.